The following is an entry in ClinVar:

NM_004960.4(FUS):c.1541G>C (p.Arg514Thr)

Gene: FUS (FUS RNA binding protein; plus strand). Cytogenetic location: 16p11.2.
Variant type: single nucleotide variant.
Coding change: c.1541G>C on transcript NM_004960.4 (MANE Select); coding-DNA position 1541, G replaced by C.
Protein change: p.Arg514Thr; replaces arginine 514 with threonine.
Molecular consequence: missense variant. On other transcripts: non-coding transcript variant (1).
Genome position (GRCh38, 1-based): chr16:31,191,110, G>C. VCF-style: chr16-31191110-G-C. GRCh37 (hg19) VCF-style: chr16-31202431-G-C.
Other names: c.1538G>C, p.Arg513Thr (NM_001170634.1); c.1529G>C, p.Arg510Thr (NM_001170937.1); short protein forms R510T, R514T, R513T.
Identifiers: ClinVar variation 3571614 (VCV003571614.3).
Genomic context (GRCh38, chr16:31,191,110, plus strand): 5'-TCCGAGGGGGCCGGGGTGGTGGGGACAGAGGTGGCTTTGGCCCTGGCAAGATGGATTCCA[G>C]GTAAGACTTTAAATCAGAATAAAAAAGTAGAGCAGTTGAACAGAGGCCATAGGATAACAG-3'
Protein context (NP_004951.1, residues 504-524): GGFGPGKMDS[Arg514Thr]GEHRQDRRER

ClinVar aggregate classification (germline): Uncertain significance. Review status: criteria provided, multiple submitters, no conflicts (2 of 4 stars). 2 submissions from 2 submitters: Uncertain significance (2). Last evaluated 2025-01-29.

Conditions:
Amyotrophic lateral sclerosis type 6. Also called: FUS-Related Amyotrophic Laterial Sclerosis; AMYOTROPHIC LATERAL SCLEROSIS 6 WITHOUT FRONTOTEMPORAL DEMENTIA; Amyotrophic lateral sclerosis 6, with or without frontotemporal dementia. Identifiers: Orphanet 275872, Orphanet 803, MedGen C2931786, MONDO:0011951, OMIM 608030.
Tremor, hereditary essential, 4 (ETM4). Identifiers: MedGen C3539195, MONDO:0013888, OMIM 614782.

Submissions (2):

Labcorp Genetics (formerly Invitae), Labcorp
Classification: Uncertain significance for Tremor, hereditary essential, 4; Amyotrophic lateral sclerosis type 6. Last evaluated: 2025-01-29. Review status: criteria provided, single submitter. Criteria: Invitae Variant Classification Sherloc (09022015). Collection method: clinical testing. Allele origin: germline.
Comment: This sequence change replaces arginine, which is basic and polar, with threonine, which is neutral and polar, at codon 514 of the FUS protein (p.Arg514Thr). This variant also falls at the last nucleotide of exon 14, which is part of the consensus splice site for this exon. This variant is not present in population databases (gnomAD no frequency). This missense change has been observed in individual(s) with amytrophic lateral sclerosis (PMID: 26742954; internal data). An algorithm developed to predict the effect of missense changes on protein structure and function (PolyPhen-2) suggests that this variant is likely to be disruptive. Variants that disrupt the consensus splice site are a relatively common cause of aberrant splicing (PMID: 17576681, 9536098). Algorithms developed to predict the effect of sequence changes on RNA splicing suggest that this variant may disrupt the consensus splice site. In summary, the available evidence is currently insufficient to determine the role of this variant in disease. Therefore, it has been classified as a Variant of Uncertain Significance.

Athena Diagnostics
Classification: Uncertain significance. Last evaluated: 2024-01-02. Review status: criteria provided, single submitter. Criteria: Athena Diagnostics Criteria. Collection method: clinical testing. Allele origin: unknown.
Comment: Available data are insufficient to determine the clinical significance of the variant at this time. This variant has not been reported in large, multi-ethnic general populations. This variant has been identified in at least one individual with clinical features associated with this gene. Multiple missense variants at this codon have been reported in individuals with clinical features associated with this gene. Computational tools predict that this variant is not damaging.

Literature cited by the submitters: PubMed 26742954 (cited by Labcorp Genetics (formerly Invitae), Labcorp and Athena Diagnostics); PubMed 17576681 (cited by Labcorp Genetics (formerly Invitae), Labcorp); PubMed 9536098 (cited by Labcorp Genetics (formerly Invitae), Labcorp); PubMed 29342275 (cited by Athena Diagnostics).